The following is an entry in ClinVar:

NM_016292.3(TRAP1):c.1471C>G (p.Arg491Gly)

Genes: DNASE1 (deoxyribonuclease 1; plus strand), TRAP1 (TNF receptor associated protein 1; minus strand). Cytogenetic location: 16p13.3.
Variant type: single nucleotide variant.
Coding change: c.1471C>G on transcript NM_016292.3 (MANE Select); coding-DNA position 1471, C replaced by G.
Protein change: p.Arg491Gly; replaces arginine 491 with glycine.
Molecular consequence: missense variant. On other transcripts: 3 prime UTR variant (1).
Genome position (GRCh38, 1-based): chr16:3,664,372, G>C on the plus strand (C>G on the coding strand, the complement: TRAP1 is on the minus strand). VCF-style: chr16-3664372-G-C. GRCh37 (hg19) VCF-style: chr16-3714373-G-C.
Other names: c.1312C>G, p.Arg438Gly (NM_001272049.2); c.*1748G>C (NM_001387140.1); short protein forms R438G, R491G.
Identifiers: ClinVar variation 4743469 (VCV004743469.1).

ClinVar aggregate classification (germline): Uncertain significance (1 of 4 stars; one submission).

Submission:

Labcorp Genetics (formerly Invitae), Labcorp
Classification: Uncertain significance. Last evaluated: 2025-03-27. Review status: criteria provided, single submitter. Criteria: Invitae Variant Classification Sherloc (09022015). Collection method: clinical testing. Allele origin: germline.
Comment: This sequence change replaces arginine, which is basic and polar, with glycine, which is neutral and non-polar, at codon 491 of the TRAP1 protein (p.Arg491Gly). This variant is not present in population databases (gnomAD no frequency). This variant has not been reported in the literature in individuals affected with TRAP1-related conditions. Invitae Evidence Modeling of protein sequence and biophysical properties (such as structural, functional, and spatial information, amino acid conservation, physicochemical variation, residue mobility, and thermodynamic stability) indicates that this missense variant is not expected to disrupt TRAP1 protein function with a negative predictive value of 80%. In summary, the available evidence is currently insufficient to determine the role of this variant in disease. Therefore, it has been classified as a Variant of Uncertain Significance.